The following is an entry in ClinVar:

ClinVar aggregate classification (germline): Benign (0 of 4 stars; one submission).

Conditions:
CELSR2-related disorder. Also called: CELSR2-related condition.

Allele frequency attached by ClinVar (database versions not stated): ESP Exome Variant Server 0.00892; 1000 Genomes Project 0.00958; 1000 Genomes Project 30x 0.00999.
gnomAD v4.1: 51,860 of 1,614,034 alleles (3.2%); highest among the groups gnomAD compares: Non-Finnish European, 4%; 1,031 homozygotes.

Submission:

PreventionGenetics, part of Exact Sciences
Classification: Benign for CELSR2-related condition. Last evaluated: 2019-09-24. Review status: no assertion criteria provided. Collection method: clinical testing. Allele origin: germline.
Comment: This variant is classified as benign based on ACMG/AMP sequence variant interpretation guidelines (Richards et al. 2015 PMID: 25741868, with internal and published modifications).

NM_001408.3(CELSR2):c.6045G>A (p.Arg2015=)

Gene: CELSR2 (cadherin EGF LAG seven-pass G-type receptor 2; plus strand). Cytogenetic location: 1p13.3.
Variant type: single nucleotide variant.
Coding change: c.6045G>A on transcript NM_001408.3 (MANE Select); coding-DNA position 6045, G replaced by A.
Protein change: p.Arg2015=; no amino-acid change (arginine 2015 retained).
Molecular consequence: synonymous variant.
Genome position (GRCh38, 1-based): chr1:109,267,579, G>A. VCF-style: chr1-109267579-G-A. GRCh37 (hg19) VCF-style: chr1-109810201-G-A.
Identifiers: ClinVar variation 3037800 (VCV003037800.2), dbSNP rs72703204, ClinGen allele CA987751.